The following is an entry in ClinVar:

NM_018965.4(TREM2):c.510C>G (p.Phe170Leu)

Gene: TREM2 (triggering receptor expressed on myeloid cells 2; minus strand). Cytogenetic location: 6p21.1.
Variant type: single nucleotide variant.
Coding change: c.510C>G on transcript NM_018965.4 (MANE Select); coding-DNA position 510, C replaced by G.
Protein change: p.Phe170Leu; replaces phenylalanine 170 with leucine.
Molecular consequence: missense variant. On other transcripts: intron variant (1).
Genome position (GRCh38, 1-based): chr6:41,159,039, G>C on the plus strand (C>G on the coding strand, the complement: TREM2 is on the minus strand). VCF-style: chr6-41159039-G-C. GRCh37 (hg19) VCF-style: chr6-41126777-G-C.
Other names: c.483-259C>G (NM_001271821.2); short protein forms F170L.
Identifiers: ClinVar variation 1387771 (VCV001387771.3), dbSNP rs138788407, ClinGen allele CA3798847.

ClinVar aggregate classification (germline): Uncertain significance (1 of 4 stars; one submission).

Allele frequency attached by ClinVar (database versions not stated): gnomAD exomes 0.00001 and 0.00006; ExAC 0.00008; ESP Exome Variant Server 0.00015; gnomAD 0.00021 and 0.00023; TOPMed 0.00024.
gnomAD v4.1: 53 of 1,613,958 alleles (0.0033%); highest among the groups gnomAD compares: African/African-American, 0.065%; no homozygotes.

Submission:

Labcorp Genetics (formerly Invitae), Labcorp
Classification: Uncertain significance. Last evaluated: 2022-08-20. Review status: criteria provided, single submitter. Criteria: Invitae Variant Classification Sherloc (09022015). Collection method: clinical testing. Allele origin: germline.
Comment: This sequence change replaces phenylalanine, which is neutral and non-polar, with leucine, which is neutral and non-polar, at codon 170 of the TREM2 protein (p.Phe170Leu). This variant is present in population databases (rs138788407, gnomAD 0.09%). This variant has not been reported in the literature in individuals affected with TREM2-related conditions. ClinVar contains an entry for this variant (Variation ID: 1387771). Algorithms developed to predict the effect of missense changes on protein structure and function output the following: SIFT: "Tolerated"; PolyPhen-2: "Benign"; Align-GVGD: "Class C0". The leucine amino acid residue is found in multiple mammalian species, which suggests that this missense change does not adversely affect protein function. In summary, the available evidence is currently insufficient to determine the role of this variant in disease. Therefore, it has been classified as a Variant of Uncertain Significance.